The following is an entry in ClinVar:

ClinVar aggregate classification (germline): Pathogenic/Likely pathogenic. Review status: criteria provided, multiple submitters, no conflicts (2 of 4 stars). 2 submissions from 2 submitters: Pathogenic (1); Likely pathogenic (1). Last evaluated 2025-09-08.

Conditions:
Short-rib thoracic dysplasia 10 with or without polydactyly (SRTD10). Identifiers: Orphanet 474, MedGen C3810175, MONDO:0014284, OMIM 615630.
Retinitis pigmentosa 71 (RP71). Identifiers: Orphanet 791, MedGen C4225342, MONDO:0014618, OMIM 616394.
Bardet-Biedl syndrome 20. Identifiers: MedGen C4310707, MONDO:0023670, OMIM 619471, MONDO:0014926.

Submissions (2):

First Genomix Gene Laboratory, Genetic Diagnostics Department
Classification: Likely pathogenic for Bardet-Biedl syndrome 20; Retinitis pigmentosa 71; Short-rib thoracic dysplasia 10 with or without polydactyly. Last evaluated: 2025-09-08. Review status: criteria provided, single submitter. Criteria: ACMG Guidelines, 2015. Collection method: clinical testing. Allele origin: germline. Inheritance: Autosomal recessive inheritance. Affected: no. Observed: 1 variant allele.

Revvity Omics, Revvity
Classification: Pathogenic. Last evaluated: 2019-10-22. Review status: criteria provided, single submitter. Criteria: ACMG Guidelines, 2015. Collection method: clinical testing. Allele origin: germline.

NM_015662.3(IFT172):c.3821+1G>A

Genes: IFT172 (intraflagellar transport 172; minus strand), LOC126806173 (BRD4-independent group 4 enhancer GRCh37_chr2:27676057-27677256; plus strand). Cytogenetic location: 2p23.3.
Variant type: single nucleotide variant.
Coding change: c.3821+1G>A on transcript NM_015662.3 (MANE Select); the canonical splice donor site of the intron after coding-DNA position 3821, G replaced by A.
Molecular consequence: splice donor variant.
Genome position (GRCh38, 1-based): chr2:27,453,629, C>T on the plus strand (G>A on the coding strand, the complement: IFT172 is on the minus strand). VCF-style: chr2-27453629-C-T. GRCh37 (hg19) VCF-style: chr2-27676496-C-T.
Other names: c.3755+1G>A (NM_001410739.1).
Identifiers: ClinVar variation 1323105 (VCV001323105.4), dbSNP rs2148486874, ClinGen allele CA346377865.